The following is an entry in ClinVar:

NM_000338.3(SLC12A1):c.1833del (p.Phe611fs)

Genes: SLC12A1 (solute carrier family 12 member 1; plus strand), LOC126862123 (CDK7 strongly-dependent group 2 enhancer GRCh37_chr15:48543423-48544622; plus strand). Cytogenetic location: 15q21.1.
Variant type: Deletion.
Coding change: c.1833del on transcript NM_000338.3 (MANE Select); coding-DNA position 1833, one base deleted (T; older notation c.1833delT).
Protein change: p.Phe611fs; shifts the reading frame from phenylalanine 611.
Molecular consequence: frameshift variant.
Genome position (GRCh38, 1-based): chr15:48,251,661, T deleted; the last of 5 consecutive T bases (chr15:48,251,657-48,251,661); deleting any one gives the same sequence. VCF-style (leftmost placement, unchanged base first): chr15-48251656-CT-C. GRCh37 (hg19) VCF-style: chr15-48543853-CT-C.
Other names: c.1833delT (NM_000338.2); c.1833del, p.Phe611fs (NM_001184832.2); short protein forms F611fs.
Identifiers: ClinVar variation 378051 (VCV000378051.9), dbSNP rs1057520304, ClinGen allele CA16609227.

ClinVar aggregate classification (germline): Pathogenic. Review status: criteria provided, multiple submitters, no conflicts (2 of 4 stars). 4 submissions from 4 submitters: Pathogenic (3). 1 of the submissions does not count toward it. Last evaluated 2025-11-19.

Conditions:
Inborn genetic diseases. Identifiers: MedGen C0950123, MeSH D030342.
Bartter disease type 1. Also called: HYPERPROSTAGLANDIN E SYNDROME 1; Bartter Syndrome type 1; Bartter syndrome, type 1, antenatal; HYPOKALEMIC ALKALOSIS WITH HYPERCALCIURIA 1, ANTENATAL. Identifiers: Orphanet 112, Orphanet 620217, MedGen C1866495, MONDO:0100344, OMIM 601678, MONDO:0011127.

Submissions (4):

Labcorp Genetics (formerly Invitae), Labcorp
Classification: Pathogenic. Last evaluated: 2025-11-19. Review status: criteria provided, single submitter. Criteria: Invitae Variant Classification Sherloc (09022015). Collection method: clinical testing. Allele origin: germline.
Comment: This sequence change creates a premature translational stop signal (p.Phe611Leufs*32) in the SLC12A1 gene. It is expected to result in an absent or disrupted protein product. Loss-of-function variants in SLC12A1 are known to be pathogenic (PMID: 8640224, 9585600, 19096086). The frequency data for this variant in the population databases is considered unreliable, as metrics indicate poor data quality at this position in the gnomAD database. This premature translational stop signal has been observed in individual(s) with Bartter syndrome (PMID: 28000888, 28095294). ClinVar contains an entry for this variant (Variation ID: 378051). For these reasons, this variant has been classified as Pathogenic.

Ambry Genetics
Classification: Pathogenic for Inborn genetic diseases. Last evaluated: 2025-08-08. Review status: criteria provided, single submitter. Criteria: Ambry Variant Classification Scheme 2023. Collection method: clinical testing. Allele origin: germline.
Comment: The c.1833delT (p.F611Lfs*32) alteration, located in exon 15 (coding exon 14) of the SLC12A1 gene, consists of a deletion of one nucleotide at position 1833, causing a translational frameshift with a predicted alternate stop codon after 32 amino acids. This alteration is expected to result in loss of function by premature protein truncation or nonsense-mediated mRNA decay. Based on data from gnomAD, this allele has an overall frequency of 0.001% (3/282498) total alleles studied. The highest observed frequency was 0.009% (3/35424) of Latino alleles. This variant has been identified in the homozygous state and/or in conjunction with other SLC12A1 variants in individual(s) with features consistent with SLC12A1-related Bartter syndrome; in at least one instance, the variants were identified in trans (Sun, 2017; Wongsaengsak, 2017). Based on the available evidence, this alteration is classified as pathogenic.

Mendelics
Classification: Pathogenic for Bartter disease type 1. Last evaluated: 2022-05-04. Review status: criteria provided, single submitter. Criteria: Mendelics Assertion Criteria 2019. Collection method: clinical testing. Allele origin: germline.

OMIM
Classification: Pathogenic for BARTTER SYNDROME, TYPE 1, ANTENATAL. Last evaluated: 2017-03-02. Review status: no assertion criteria provided. Collection method: literature only. Allele origin: germline. Not counted in ClinVar's aggregate classification.

Literature cited by the submitters: PubMed 8640224 (cited by Labcorp Genetics (formerly Invitae), Labcorp); PubMed 9585600 (cited by Labcorp Genetics (formerly Invitae), Labcorp); PubMed 19096086 (cited by Labcorp Genetics (formerly Invitae), Labcorp); PubMed 28000888 (cited by Labcorp Genetics (formerly Invitae), Labcorp and Ambry Genetics); PubMed 28095294 (cited by 3 submitters).